The following is an entry in ClinVar:

GRCh37/hg19 14q31.3(chr14:88391502-88423172)

Gene: GALC (galactosylceramidase; minus strand). Cytogenetic location: 14q31.3.
Variant type: copy number gain.
Identifiers: ClinVar variation 830312 (VCV000830312.2).

ClinVar aggregate classification (germline): Pathogenic (1 of 4 stars; one submission).

Conditions:
Galactosylceramide beta-galactosidase deficiency. Also called: Leukodystrophy, Globoid Cell; Krabbe Disease; GALACTOCEREBROSIDASE DEFICIENCY; GALC DEFICIENCY; GLOBOID CELL LEUKOENCEPHALOPATHY. Identifiers: Orphanet 487, MedGen C0023521, MONDO:0009499, OMIM 245200.

Submission:

Myriad Genetics, Inc.
Classification: Pathogenic for Galactosylceramide beta-galactosidase deficiency. Last evaluated: 2019-12-19. Review status: criteria provided, single submitter. Criteria: Myriad Women's Health Autosomal Recessive and X-Linked Classification Criteria (2019). Collection method: clinical testing. Allele origin: unknown.
Comment: Ex11-17del NM_000153.3(GALC):c.1161+6532_polyA+9kbdel is classified as pathogenic in the context of Krabbe disease and is associated with the infantile form of disease. Sources cited for classification include the following: PMID 8940268, 20886637 and 7581365. Classification of this deletion is based on the following criteria: This is a well-established pathogenic variant in the literature that has been observed more frequently in patients with clinical diagnoses than in healthy populations. Please note: this variant was assessed in the context of healthy population screening.

Literature cited by the submitters: PubMed 8940268; PubMed 20886637; PubMed 7581365.